The following is an entry in ClinVar:

NM_014946.4(SPAST):c.583C>G (p.Leu195Val)

Gene: SPAST (spastin; plus strand). Cytogenetic location: 2p22.3.
Variant type: single nucleotide variant.
Coding change: c.583C>G on transcript NM_014946.4 (MANE Select); coding-DNA position 583, C replaced by G.
Protein change: p.Leu195Val; replaces leucine 195 with valine.
Molecular consequence: missense variant.
Genome position (GRCh38, 1-based): chr2:32,089,602, C>G. VCF-style: chr2-32089602-C-G. GRCh37 (hg19) VCF-style: chr2-32314671-C-G.
Other names: c.580C>G, p.Leu194Val (NM_001363823.2, NM_001363875.2); c.583C>G, p.Leu195Val (NM_001377959.1, NM_199436.2); short protein forms L194V, L195V.
Identifiers: ClinVar variation 4993587 (VCV004993587.1).

ClinVar aggregate classification (germline): Uncertain significance (1 of 4 stars; one submission).

Conditions:
SPAST-related disorder. Also called: SPAST-related condition.

Submission:

PreventionGenetics, part of Exact Sciences
Classification: Uncertain significance for SPAST-related condition. Last evaluated: 2026-05-03. Review status: criteria provided, single submitter. Criteria: ACMG Guidelines, 2015. Collection method: clinical testing. Allele origin: germline.
Comment: The SPAST c.583C>G variant is predicted to result in the amino acid substitution p.Leu195Val. This variant has been reported in at least three patients with spastic paraplegia (Crippa et al. 2006. PubMed ID: 16682546; Supplemental Table 1 in Giordani et al. 2021. PubMed ID: 34782662; Álvarez et al. 2010. PubMed ID: 20932283). This variant is located four nucleotides away from the end of exon 3 and a study showed that this variant lead to a splicing defect that removed the last four nucleotides of exon 3 (Álvarez et al. 2010. PubMed ID: 20932283). Additional functional studies support this variant causing a dominant negative effect (Solowska et al. 2010. PubMed ID: 20430936; Allison et al. 2019. PubMed ID: 31787869). This variant has not been reported in a large population database (gnomAD), indicating this variant is rare. Although we suspect that this variant may be pathogenic, at this time, the clinical significance of this variant is uncertain due to the absence of conclusive functional and genetic evidence.